The following is an entry in ClinVar:

ClinVar aggregate classification (germline): Uncertain significance (1 of 4 stars; one submission).

Conditions:
Adenylosuccinate lyase deficiency (ADSLD). Also called: ADSL DEFICIENCY. Identifiers: Orphanet 46, MedGen C0268126, MONDO:0007068, OMIM 103050.

Submission:

Labcorp Genetics (formerly Invitae), Labcorp
Classification: Uncertain significance for Adenylosuccinate lyase deficiency. Last evaluated: 2022-07-18. Review status: criteria provided, single submitter. Criteria: Invitae Variant Classification Sherloc (09022015). Collection method: clinical testing. Allele origin: germline.
Comment: This variant has not been reported in the literature in individuals affected with ADSL-related conditions. In summary, the available evidence is currently insufficient to determine the role of this variant in disease. Therefore, it has been classified as a Variant of Uncertain Significance. Algorithms developed to predict the effect of missense changes on protein structure and function (SIFT, PolyPhen-2, Align-GVGD) all suggest that this variant is likely to be disruptive. ClinVar contains an entry for this variant (Variation ID: 649281). This variant is not present in population databases (gnomAD no frequency). This sequence change replaces threonine, which is neutral and polar, with serine, which is neutral and polar, at codon 204 of the ADSL protein (p.Thr204Ser).

NM_000026.4(ADSL):c.611C>G (p.Thr204Ser)

Gene: ADSL (adenylosuccinate lyase; plus strand). Cytogenetic location: 22q13.1.
Variant type: single nucleotide variant.
Coding change: c.611C>G on transcript NM_000026.4 (MANE Select); coding-DNA position 611, C replaced by G.
Protein change: p.Thr204Ser; replaces threonine 204 with serine.
Molecular consequence: missense variant. On other transcripts: non-coding transcript variant (1).
Genome position (GRCh38, 1-based): chr22:40,358,992, C>G. VCF-style: chr22-40358992-C-G. GRCh37 (hg19) VCF-style: chr22-40754996-C-G.
Other names: c.611C>G, p.Thr204Ser (NM_001123378.3, NM_001363840.3); c.419C>G, p.Thr140Ser (NM_001317923.2); short protein forms T140S, T204S.
Identifiers: ClinVar variation 649281 (VCV000649281.7), dbSNP rs745524617, ClinGen allele CA411641253.